The following is an entry in ClinVar:

ClinVar aggregate classification (germline): Benign/Likely benign. Review status: criteria provided, multiple submitters, no conflicts (2 of 4 stars). 3 submissions from 3 submitters: Benign (1); Likely benign (2). Last evaluated 2024-09-04.

Conditions:
BAP1-related tumor predisposition syndrome (TPDS1). Also called: Tumor susceptibility linked to germline BAP1 mutations; COMMON Syndrome; TUMOR PREDISPOSITION SYNDROME 1; BAP1 tumor predisposition syndrome. Identifiers: Orphanet 289539, MedGen C3280492, MONDO:0013692, OMIM 614327.
Hereditary cancer-predisposing syndrome. Also called: Neoplastic Syndromes, Hereditary; Tumor predisposition; Hereditary Cancer Syndrome; Hereditary neoplastic syndrome. Identifiers: Orphanet 140162, MedGen C0027672, MeSH D009386, MONDO:0015356.

Allele frequency attached by ClinVar (database versions not stated): gnomAD exomes below 0.00001.
gnomAD v4.1: 1 of 1,584,408 alleles (0.000063%); highest among the groups gnomAD compares: Non-Finnish European, 0.000086%; no homozygotes.

Submissions (3):

Labcorp Genetics (formerly Invitae), Labcorp
Classification: Likely benign for BAP1-related tumor predisposition syndrome. Last evaluated: 2024-09-04. Review status: criteria provided, single submitter. Criteria: Invitae Variant Classification Sherloc (09022015). Collection method: clinical testing. Allele origin: germline.

Myriad Genetics, Inc.
Classification: Benign for BAP1-related tumor predisposition syndrome. Last evaluated: 2024-07-18. Review status: criteria provided, single submitter. Criteria: Myriad Autosomal Dominant, Autosomal Recessive and X-Linked Classification Criteria (2023). Collection method: clinical testing. Allele origin: unknown.
Comment: This variant is considered benign. This variant is a silent/synonymous amino acid change and it is not expected to impact splicing.

Color Diagnostics, LLC DBA Color Health
Classification: Likely benign for Hereditary cancer-predisposing syndrome. Last evaluated: 2019-07-26. Review status: criteria provided, single submitter. Criteria: ACMG Guidelines, 2015. Collection method: clinical testing. Allele origin: germline.

NM_004656.4(BAP1):c.2127C>T (p.Leu709=)

Gene: BAP1 (BRCA1 associated deubiquitinase 1; minus strand). Cytogenetic location: 3p21.1.
Variant type: single nucleotide variant.
Coding change: c.2127C>T on transcript NM_004656.4 (MANE Select); coding-DNA position 2127, C replaced by T.
Protein change: p.Leu709=; no amino-acid change (leucine 709 retained).
Molecular consequence: synonymous variant.
Genome position (GRCh38, 1-based): chr3:52,402,351, G>A on the plus strand (C>T on the coding strand, the complement: BAP1 is on the minus strand). VCF-style: chr3-52402351-G-A. GRCh37 (hg19) VCF-style: chr3-52436367-G-A.
Identifiers: ClinVar variation 923155 (VCV000923155.11), dbSNP rs1412259769, ClinGen allele CA433885919.